The following is an entry in ClinVar:

ClinVar aggregate classification (germline): Uncertain significance (1 of 4 stars; one submission).

Conditions:
Renal cell carcinoma (RCCP1). Identifiers: Orphanet 217071, MedGen C0007134, MeSH D002292, MONDO:0005086, HP:0005584.

Submission:

Labcorp Genetics (formerly Invitae), Labcorp
Classification: Uncertain significance for Renal cell carcinoma. Last evaluated: 2023-05-30. Review status: criteria provided, single submitter. Criteria: Invitae Variant Classification Sherloc (09022015). Collection method: clinical testing. Allele origin: unknown.
Comment: In summary, the available evidence is currently insufficient to determine the role of this variant in disease. Therefore, it has been classified as a Variant of Uncertain Significance. Experimental studies and prediction algorithms are not available or were not evaluated, and the functional significance of this variant is currently unknown. This variant has not been reported in the literature in individuals affected with MET-related conditions. This variant results in a copy number gain of the genomic region encompassing exon(s) 2-5 of the MET gene. This region includes the initiator codon of the gene. This copy number gain extends beyond the assayed region for this gene and therefore may encompass additional genes. As the precise location of this event is unknown, it may be in tandem or it may be located elsewhere in the genome.

NC_000007.13:g.(?_116339139)_(116381089_?)dup

Gene: MET (MET proto-oncogene, receptor tyrosine kinase; plus strand). Cytogenetic location: 7q31.2.
Variant type: Duplication.
Identifiers: ClinVar variation 3245625 (VCV003245625.1).